The following is an entry in ClinVar:

ClinVar aggregate classification (germline): Uncertain significance. Review status: criteria provided, multiple submitters, no conflicts (2 of 4 stars). 4 submissions from 4 submitters: Uncertain significance (4). Last evaluated 2025-02-03.

Conditions:
Epiphyseal dysplasia, multiple, 3 (EDM3). Also called: COL9A3-Related Multiple Epiphyseal Dysplasia; Epiphyseal dysplasia, multiple, 3, with or without myopathy. Identifiers: MedGen C1832998, MONDO:0010964, OMIM 600969.
Stickler syndrome, type 6. Also called: Stickler syndrome, type VI; Stickler syndrome, IIa 6. Identifiers: MedGen C5774207, MONDO:0031047, OMIM 620022.
Inborn genetic diseases. Identifiers: MedGen C0950123, MeSH D030342.

Allele frequency attached by ClinVar (database versions not stated): gnomAD 0.00002; ExAC 0.00003; TOPMed 0.00003; 1000 Genomes Project 30x 0.00016; 1000 Genomes Project 0.00020.

Submissions (4):

Labcorp Genetics (formerly Invitae), Labcorp
Classification: Uncertain significance. Last evaluated: 2025-02-03. Review status: criteria provided, single submitter. Criteria: Invitae Variant Classification Sherloc (09022015). Collection method: clinical testing. Allele origin: germline.
Comment: This sequence change replaces glycine, which is neutral and non-polar, with arginine, which is basic and polar, at codon 295 of the COL9A3 protein (p.Gly295Arg). This variant is present in population databases (rs199787542, gnomAD 0.004%). This variant has not been reported in the literature in individuals affected with COL9A3-related conditions. ClinVar contains an entry for this variant (Variation ID: 1991640). Invitae Evidence Modeling of protein sequence and biophysical properties (such as structural, functional, and spatial information, amino acid conservation, physicochemical variation, residue mobility, and thermodynamic stability) indicates that this missense variant is expected to disrupt COL9A3 protein function with a positive predictive value of 95%. In summary, the available evidence is currently insufficient to determine the role of this variant in disease. Therefore, it has been classified as a Variant of Uncertain Significance.

Victorian Clinical Genetics Services, Murdoch Childrens Research Institute
Classification: Uncertain significance for Epiphyseal dysplasia, multiple, 3. Last evaluated: 2024-10-09. Review status: criteria provided, single submitter. Criteria: ACMG Guidelines, 2015. Collection method: clinical testing. Allele origin: germline. Inheritance: Autosomal dominant inheritance. Affected: yes.
Comment: Based on the classification scheme VCGS_Germline_v1.3.4, this variant is classified as VUS-3C. Following criteria are met: 0102 - Loss of function is a known mechanism of disease in this gene and is associated with Stickler syndrome (MIM#620022) and multiple epiphyseal dysplasia 3, with or without myopathy (MIM#600969). (I) 0108 - This gene is associated with both recessive and dominant disease. Autosomal recessive inheritance is associated with Stickler syndrome (PMIDs: 24273071, 31090205), while autosomal dominant inheritance is associated with multiple epiphyseal dysplasia, with or without myopathy, and more recently with isolated deafness and retinal phenotypes that overlap with Stickler syndrome (PMID: 33633367). (I) 0115 - Variants in this gene are known to have variable expressivity. Intrafamilial and interfamilial phenotypic variability has been observed in individuals with multiple epiphyseal dysplasia (PMID: 20301302). (I) 0200 - Variant is predicted to result in a missense amino acid change from glycine to arginine. (I) 0251 - This variant is heterozygous. (I) 0304 - Variant is present in gnomAD <0.01 (v2 and v3) (5 heterozygotes, 0 homozygotes). (SP) 0501 - Missense variant consistently predicted to be damaging by multiple in silico tools or highly conserved with a major amino acid change. (SP) 0601 - Variant is located in the well-established functional Gly-X-Y motif within the collagen repeat domain, and affects a glycine residue (DECIPHER). However, the pathogenicity of missense variants affecting glycine residues in Gly-X-Y repeats is not well established for this gene. (SP) 0705 - No comparable missense variants have previous evidence for pathogenicity. (I) 0809 - Previous evidence of pathogenicity for this variant is inconclusive. This variant has been classified as a VUS by clinical laboratories in ClinVar. (I) 0904 - Non-segregation of this variant with the phenotype under investigation has been clearly demonstrated. (SB) 1007 - No published functional evidence has been identified for this variant. (I) Legend: (SP) - Supporting pathogenic, (I) - Information, (SB) - Supporting benign

Genomic Medicine Center of Excellence, King Faisal Specialist Hospital and Research Centre
Classification: Uncertain significance for Stickler syndrome, type 6. Last evaluated: 2024-03-29. Review status: criteria provided, single submitter. Criteria: ACMG Guidelines, 2015. Collection method: clinical testing. Allele origin: germline.

Ambry Genetics
Classification: Uncertain significance for Inborn genetic diseases. Last evaluated: 2022-04-25. Review status: criteria provided, single submitter. Criteria: Ambry Variant Classification Scheme 2023. Collection method: clinical testing. Allele origin: germline.

Literature cited by the submitters: PubMed 20301302 (cited by Victorian Clinical Genetics Services, Murdoch Childrens Research Institute); PubMed 24273071 (cited by Victorian Clinical Genetics Services, Murdoch Childrens Research Institute); PubMed 31090205 (cited by Victorian Clinical Genetics Services, Murdoch Childrens Research Institute); PubMed 33633367 (cited by Victorian Clinical Genetics Services, Murdoch Childrens Research Institute).

NM_001853.4(COL9A3):c.883G>A (p.Gly295Arg)

Gene: COL9A3 (collagen type IX alpha 3 chain; plus strand). Cytogenetic location: 20q13.33.
Variant type: single nucleotide variant.
Coding change: c.883G>A on transcript NM_001853.4 (MANE Select); coding-DNA position 883, G replaced by A.
Protein change: p.Gly295Arg; replaces glycine 295 with arginine.
Molecular consequence: missense variant.
Genome position (GRCh38, 1-based): chr20:62,827,959, G>A. VCF-style: chr20-62827959-G-A. GRCh37 (hg19) VCF-style: chr20-61459311-G-A.
Other names: short protein forms G295R.
Identifiers: ClinVar variation 1991640 (VCV001991640.7), dbSNP rs199787542, ClinGen allele CA9949574.